The following is an entry in ClinVar:

ClinVar aggregate classification (germline): Uncertain significance. Review status: criteria provided, multiple submitters, no conflicts (2 of 4 stars). 2 submissions from 2 submitters: Uncertain significance (2). Last evaluated 2021-11-10.

Conditions:
Maturity-onset diabetes of the young type 6 (MODY6). Identifiers: Orphanet 552, MedGen C1853371, MONDO:0011668, OMIM 606394.
Type 2 diabetes mellitus. Also called: Type II diabetes mellitus. Identifiers: MedGen C0011860, MeSH D003924, MONDO:0005148, OMIM 125853, HP:0005978.

Submissions (2):

Fulgent Genetics
Classification: Uncertain significance for Type 2 diabetes mellitus; Maturity-onset diabetes of the young type 6. Last evaluated: 2021-11-10. Review status: criteria provided, single submitter. Criteria: ACMG Guidelines, 2015. Collection method: clinical testing. Allele origin: unknown.

Labcorp Genetics (formerly Invitae), Labcorp
Classification: Uncertain significance. Last evaluated: 2020-07-08. Review status: criteria provided, single submitter. Criteria: Invitae Variant Classification Sherloc (09022015). Collection method: clinical testing. Allele origin: germline.
Comment: Algorithms developed to predict the effect of missense changes on protein structure and function (SIFT, PolyPhen-2, Align-GVGD) all suggest that this variant is likely to be disruptive, but these predictions have not been confirmed by published functional studies and their clinical significance is uncertain. This variant has not been reported in the literature in individuals with NEUROD1-related conditions. This variant is not present in population databases (ExAC no frequency). This sequence change replaces arginine with histidine at codon 95 of the NEUROD1 protein (p.Arg95His). The arginine residue is highly conserved and there is a small physicochemical difference between arginine and histidine. In summary, the available evidence is currently insufficient to determine the role of this variant in disease. Therefore, it has been classified as a Variant of Uncertain Significance.

NM_002500.5(NEUROD1):c.284G>A (p.Arg95His)

Gene: NEUROD1 (neuronal differentiation 1; minus strand). Cytogenetic location: 2q31.3.
Variant type: single nucleotide variant.
Coding change: c.284G>A on transcript NM_002500.5 (MANE Select); coding-DNA position 284, G replaced by A.
Protein change: p.Arg95His; replaces arginine 95 with histidine.
Molecular consequence: missense variant.
Genome position (GRCh38, 1-based): chr2:181,678,577, C>T on the plus strand (G>A on the coding strand, the complement: NEUROD1 is on the minus strand). VCF-style: chr2-181678577-C-T. GRCh37 (hg19) VCF-style: chr2-182543304-C-T.
Other names: short protein forms R95H.
Identifiers: ClinVar variation 1014823 (VCV001014823.10), dbSNP rs1559135426, ClinGen allele CA349786313.